The following is an entry in ClinVar:

ClinVar aggregate classification (germline): Likely benign. Review status: criteria provided, multiple submitters, no conflicts (2 of 4 stars). 3 submissions from 3 submitters: Likely benign (3). Last evaluated 2025-09-02.

Conditions:
Inborn genetic diseases. Identifiers: MedGen C0950123, MeSH D030342.
Charcot-Marie-Tooth disease axonal type 2C (HMSN2C). Also called: CHARCOT-MARIE-TOOTH DISEASE, AXONAL, AUTOSOMAL DOMINANT, TYPE 2C; Charcot-Marie-Tooth Neuropathy Type 2C; Charcot-Marie-Tooth Disease Type 2, TRPV4-Related (CMT2C). Identifiers: Orphanet 99937, MedGen C1853710, MONDO:0011633, OMIM 606071.

Allele frequency attached by ClinVar (database versions not stated): gnomAD exomes 0.00001.
gnomAD v4.1: 11 of 1,614,172 alleles (0.00068%); highest among the groups gnomAD compares: Middle Eastern, 0.12%; no homozygotes.

Submissions (3):

Labcorp Genetics (formerly Invitae), Labcorp
Classification: Likely benign for Charcot-Marie-Tooth disease axonal type 2C. Last evaluated: 2025-09-02. Review status: criteria provided, single submitter. Criteria: Invitae Variant Classification Sherloc (09022015). Collection method: clinical testing. Allele origin: germline.

Ambry Genetics
Classification: Likely benign for Inborn genetic diseases. Last evaluated: 2019-07-11. Review status: criteria provided, single submitter. Criteria: Ambry Variant Classification Scheme 2023. Collection method: clinical testing. Allele origin: germline.

GeneDx
Classification: Likely benign. Last evaluated: 2018-02-21. Review status: criteria provided, single submitter. Criteria: GeneDx Variant Classification (06012015). Collection method: clinical testing. Allele origin: germline. Affected: yes.
Comment: This variant is considered likely benign or benign based on one or more of the following criteria: it is a conservative change, it occurs at a poorly conserved position in the protein, it is predicted to be benign by multiple in silico algorithms, and/or has population frequency not consistent with disease.

NM_021625.5(TRPV4):c.792C>A (p.Val264=)

Gene: TRPV4 (transient receptor potential cation channel subfamily V member 4; minus strand). Cytogenetic location: 12q24.11.
Variant type: single nucleotide variant.
Coding change: c.792C>A on transcript NM_021625.5 (MANE Select); coding-DNA position 792, C replaced by A.
Protein change: p.Val264=; no amino-acid change (valine 264 retained).
Molecular consequence: synonymous variant. On other transcripts: intron variant (2).
Genome position (GRCh38, 1-based): chr12:109,800,679, G>T on the plus strand (C>A on the coding strand, the complement: TRPV4 is on the minus strand). VCF-style: chr12-109800679-G-T. GRCh37 (hg19) VCF-style: chr12-110238484-G-T.
Other names: c.690C>A, p.Val230= (NM_001177431.2); c.792C>A, p.Val264= (NM_147204.3); c.713-1767C>A (NM_001177433.1, NM_001177428.1).
Identifiers: ClinVar variation 515519 (VCV000515519.10), dbSNP rs867185488, ClinGen allele CA243469095.